The following is an entry in ClinVar:

NM_001114753.3(ENG):c.866G>A (p.Gly289Asp)

Gene: ENG (endoglin; minus strand). Cytogenetic location: 9q34.11.
Variant type: single nucleotide variant.
Coding change: c.866G>A on transcript NM_001114753.3 (MANE Select); coding-DNA position 866, G replaced by A.
Protein change: p.Gly289Asp; replaces glycine 289 with aspartic acid.
Molecular consequence: missense variant.
Genome position (GRCh38, 1-based): chr9:127,824,925, C>T on the plus strand (G>A on the coding strand, the complement: ENG is on the minus strand). VCF-style: chr9-127824925-C-T. GRCh37 (hg19) VCF-style: chr9-130587204-C-T.
Other names: c.866G>A, p.Gly289Asp (NM_000118.4, NM_001406715.1); c.320G>A, p.Gly107Asp (NM_001278138.2); c.866G>A (NM_001114753.1); short protein forms G107D, G289D.
Identifiers: ClinVar variation 954267 (VCV000954267.12), dbSNP rs1830570208, ClinGen allele CA374982638.
Genomic context (GRCh38, chr9:127,824,925, plus strand): 5'-CTGGCATTGAGCATCCGGGCCTCCCCCAGGAGGCCTTGAGGTGTGTCTGGGAGCTTGAAG[C>T]CACGAATGTTTTTCTCTGGAAAGATCTTGAAGGAGTATTCTCCAGTGGTCTAATGGTGGG-3'
Protein context (NP_001108225.1, residues 279-299): FKIFPEKNIR[Gly289Asp]FKLPDTPQGL

ClinVar aggregate classification (germline): Conflicting classifications of pathogenicity. Review status: criteria provided, conflicting classifications (1 of 4 stars). 2 submissions from 2 submitters: Likely pathogenic (1); Uncertain significance (1). Last evaluated 2026-06-20.

Conditions:
Hereditary hemorrhagic telangiectasia (HHT). Also called: ORW DISEASE; Osler Weber Rendu syndrome; OSLER-RENDU-WEBER DISEASE; Osler hemorrhagic telangiectasia syndrome. Identifiers: Orphanet 774, MedGen C0039445, MONDO:0019180. Disease mechanism: loss of function.
Cardiovascular phenotype. Identifiers: MedGen CN230736.

Submissions (2):

Ambry Genetics
Classification: Uncertain significance for Cardiovascular phenotype. Last evaluated: 2026-06-20. Review status: criteria provided, single submitter. Criteria: Ambry Variant Classification Scheme 2023. Collection method: clinical testing. Allele origin: germline.
Comment: The p.G289D variant (also known as c.866G>A), located in coding exon 7 of the ENG gene, results from a G to A substitution at nucleotide position 866. The glycine at codon 289 is replaced by aspartic acid, an amino acid with similar properties. This amino acid position is conserved. In addition, this alteration is predicted to be tolerated by in silico analysis. Based on the available evidence, the clinical significance of this variant remains unclear.

Labcorp Genetics (formerly Invitae), Labcorp
Classification: Likely pathogenic for Hereditary hemorrhagic telangiectasia. Last evaluated: 2025-04-21. Review status: criteria provided, single submitter. Criteria: Invitae Variant Classification Sherloc (09022015). Collection method: clinical testing. Allele origin: germline.
Comment: This sequence change replaces glycine, which is neutral and non-polar, with aspartic acid, which is acidic and polar, at codon 289 of the ENG protein (p.Gly289Asp). This variant is not present in population databases (gnomAD no frequency). This missense change has been observed in individual(s) with clinical features of hereditary hemorrhagic telangiectasia (internal data). ClinVar contains an entry for this variant (Variation ID: 954267). An algorithm developed to predict the effect of missense changes on protein structure and function outputs the following: PolyPhen-2: "Possibly Damaging". The aspartic acid amino acid residue is found in multiple mammalian species, which suggests that this missense change does not adversely affect protein function. In summary, the currently available evidence indicates that the variant is pathogenic, but additional data are needed to prove that conclusively. Therefore, this variant has been classified as Likely Pathogenic.